The following is an entry in ClinVar:

ClinVar aggregate classification (germline): Pathogenic. Review status: reviewed by expert panel (3 of 4 stars). 2 submissions from 2 submitters: Pathogenic (1). 1 of the submissions does not count toward it. Last evaluated 2016-10-18.

Conditions:
Breast-ovarian cancer, familial, susceptibility to, 1 (BROVCA1). Also called: BRCA1 Hereditary Breast and Ovarian Cancer; OVARIAN CANCER, SUSCEPTIBILITY TO. Identifiers: Orphanet 145, MedGen C2676676, MONDO:0011450, OMIM 604370. Disease mechanism: loss of function.

Submissions (2):

Evidence-based Network for the Interpretation of Germline Mutant Alleles (ENIGMA)
Classification: Pathogenic for Breast-ovarian cancer, familial, susceptibility to, 1. Last evaluated: 2016-10-18. Review status: reviewed by expert panel. Criteria: ENIGMA BRCA1/2 Classification Criteria (2015). Collection method: curation. Allele origin: germline.
Comment: Variant allele predicted to encode a truncated non-functional protein.

Consortium of Investigators of Modifiers of BRCA1/2 (CIMBA), c/o University of Cambridge
Classification: Pathogenic for Breast-ovarian cancer, familial, susceptibility to, 1. Last evaluated: 2015-10-02. Review status: criteria provided, single submitter. Criteria: CIMBA Mutation Classification guidelines May 2016. Collection method: clinical testing. Allele origin: germline. Not counted in ClinVar's aggregate classification.

NM_007294.4(BRCA1):c.1227_1230dup (p.Asp411delinsSerTer)

Gene: BRCA1 (BRCA1 DNA repair associated; minus strand). Cytogenetic location: 17q21.31.
Variant type: Duplication.
Coding change: c.1227_1230dup on transcript NM_007294.4 (MANE Select); coding-DNA positions 1227 to 1230, 4 bases duplicated (AGCT; older notation c.1227_1230dupAGCT).
Protein change: p.Asp411delinsSerTer.
Molecular consequence: nonsense. On other transcripts: frameshift variant (1), intron variant (137).
Genome position (GRCh38, 1-based): chr17:43,094,301-43,094,304, AGCT duplicated on the plus strand (AGCT on the coding strand, the reverse complement: BRCA1 is on the minus strand); duplicating any 4 consecutive bases within chr17:43,094,301-43,094,305 gives the same sequence; the c. name uses the placement nearest the transcript's 3' end. VCF-style (leftmost placement, unchanged base first): chr17-43094300-C-CAGCT. GRCh37 (hg19) VCF-style: chr17-41246317-C-CAGCT.
Other names: 1346_1349dupAGCT; c.1227_1230dup, p.Asp411delinsSerTer (NM_007294.3, NM_001407684.1, NM_001407854.1 and 31 more transcripts); c.1104_1107dup, p.Asp370delinsSerTer (NM_001407680.1, NM_001407681.1, NM_001407682.1 and 19 more transcripts); c.1101_1104dup, p.Asp369delinsSerTer (NM_001407685.1, NM_001407686.1, NM_001407687.1 and 11 more transcripts); c.1086_1089dup, p.Asp364delinsSerTer (NM_001407692.1, NM_001407694.1, NM_001407695.1 and 29 more transcripts); c.1083_1086dup, p.Asp363delinsSerTer (NM_001407740.1, NM_001407741.1, NM_001407742.1 and 20 more transcripts); c.1014_1017dup, p.Asp340delinsSerTer (NM_001407853.1, NM_001407894.1, NM_001407895.1 and 9 more transcripts); c.1224_1227dup, p.Asp410delinsSerTer (NM_001407860.1, NM_001407861.1, NM_001407587.1 and 22 more transcripts); and 41 more.
Identifiers: ClinVar variation 266147 (VCV000266147.6), dbSNP rs886039935, ClinGen allele CA10589957.